The following is an entry in ClinVar:

ClinVar aggregate classification (germline): Benign (0 of 4 stars; one submission).

Conditions:
ACTN3-related disorder. Also called: ACTN3-related condition.

Allele frequency attached by ClinVar (database versions not stated): TOPMed 0.15499; ESP Exome Variant Server 0.15931; ExAC 0.16248; gnomAD exomes 0.17706; 1000 Genomes Project 0.16274; 1000 Genomes Project 30x 0.16365; gnomAD 0.16478.
gnomAD v4.1: 282,478 of 1,609,622 alleles (18%); highest among the groups gnomAD compares: Non-Finnish European, 18%; 25,528 homozygotes.

Submission:

PreventionGenetics, part of Exact Sciences
Classification: Benign for ACTN3-related condition. Last evaluated: 2019-11-12. Review status: no assertion criteria provided. Collection method: clinical testing. Allele origin: germline.
Comment: This variant is classified as benign based on ACMG/AMP sequence variant interpretation guidelines (Richards et al. 2015 PMID: 25741868, with internal and published modifications).

NM_001104.4(ACTN3):c.1689A>G (p.Thr563=)

Gene: ACTN3 (actinin alpha 3; plus strand). Cytogenetic location: 11q13.2.
Variant type: single nucleotide variant.
Coding change: c.1689A>G on transcript NM_001104.4 (MANE Select); coding-DNA position 1689, A replaced by G.
Protein change: p.Thr563=; no amino-acid change (threonine 563 retained).
Molecular consequence: synonymous variant.
Genome position (GRCh38, 1-based): chr11:66,560,584, A>G. VCF-style: chr11-66560584-A-G. GRCh37 (hg19) VCF-style: chr11-66328055-A-G.
Other names: c.1818A>G, p.Thr606= (NM_001258371.3).
Identifiers: ClinVar variation 3057152 (VCV003057152.2), dbSNP rs2229455, ClinGen allele CA6124829.